The following is an entry in ClinVar:

ClinVar aggregate classification (germline): Pathogenic (1 of 4 stars; one submission).

Submission:

Labcorp Genetics (formerly Invitae), Labcorp
Classification: Pathogenic. Last evaluated: 2017-09-04. Review status: criteria provided, single submitter. Criteria: Invitae Variant Classification Sherloc (09022015). Collection method: clinical testing. Allele origin: germline.
Comment: This sequence change creates a premature translational stop signal (p.Glu492Trpfs*46) in the COL7A1 gene. It is expected to result in an absent or disrupted protein product. This variant is not present in population databases (ExAC no frequency). This variant has not been reported in the literature in individuals with COL7A1-related disease. Loss-of-function variants in COL7A1 are known to be pathogenic (PMID: 16971478, 19681861). For these reasons, this variant has been classified as Pathogenic.

Literature cited by the submitters: PubMed 16971478; PubMed 19681861.

NM_000094.4(COL7A1):c.1474_1505del (p.Glu492fs)

Gene: COL7A1 (collagen type VII alpha 1 chain; minus strand). Cytogenetic location: 3p21.31.
Variant type: Deletion.
Coding change: c.1474_1505del on transcript NM_000094.4 (MANE Select); coding-DNA positions 1474 to 1505, 32 bases deleted.
Protein change: p.Glu492fs; shifts the reading frame from glutamic acid 492.
Molecular consequence: frameshift variant.
Genome position (GRCh38, 1-based): chr3:48,591,675-48,591,706, 32 bases deleted; deleting any 32 consecutive bases within chr3:48,591,675-48,591,710 gives the same sequence; the c. name uses the placement nearest the transcript's 3' end. GRCh37 (hg19): chr3:48,629,112-48,629,143.
Other names: short protein forms E492fs.
Identifiers: ClinVar variation 1072562 (VCV001072562.5), dbSNP rs2107788141, ClinGen allele CA2499216884.